The following is an entry in ClinVar:

NM_138713.4(NFAT5):c.2806T>G (p.Ser936Ala)

Gene: NFAT5 (nuclear factor of activated T cells 5; plus strand). Cytogenetic location: 16q22.1.
Variant type: single nucleotide variant.
Coding change: c.2806T>G on transcript NM_138713.4 (MANE Select); coding-DNA position 2806, T replaced by G.
Protein change: p.Ser936Ala; replaces serine 936 with alanine.
Molecular consequence: missense variant.
Genome position (GRCh38, 1-based): chr16:69,692,631, T>G. VCF-style: chr16-69692631-T-G. GRCh37 (hg19) VCF-style: chr16-69726534-T-G.
Other names: c.2803T>G, p.Ser935Ala (NM_001113178.3); c.2131T>G, p.Ser711Ala (NM_001367709.1); c.2752T>G, p.Ser918Ala (NM_006599.4); c.2524T>G, p.Ser842Ala (NM_138714.4, NM_173214.3, NM_173215.3); short protein forms S842A, S918A, S935A, S711A, S936A.
Identifiers: ClinVar variation 1443241 (VCV001443241.6), dbSNP rs746725926, ClinGen allele CA8135806.
Genomic context (GRCh38, chr16:69,692,631, plus strand): 5'-ATGGAGATGCAACAGAGTATCTGCCAGGCAGCTGCCCAGATTCAGTCAGAGTTATTCCCT[T>G]CAACTGCTTCAGCAAATGGAAACCTTCAGCAATCGCCAGTTTACCAGCAGACTTCTCACA-3'
Protein context (NP_619727.2, residues 926-946): AAQIQSELFP[Ser936Ala]TASANGNLQQ

ClinVar aggregate classification (germline): Uncertain significance (1 of 4 stars; one submission).

Conditions:
Immunodeficiency. Identifiers: MedGen C0021051, MONDO:0021094, HP:0002721.

Allele frequency attached by ClinVar (database versions not stated): gnomAD exomes below 0.00001; ExAC 0.00001.
gnomAD v4.1: 2 of 1,614,202 alleles (0.00012%); highest among the groups gnomAD compares: Non-Finnish European, 0.00017%; no homozygotes.

Submission:

Labcorp Genetics (formerly Invitae), Labcorp
Classification: Uncertain significance for Immunodeficiency. Last evaluated: 2021-08-11. Review status: criteria provided, single submitter. Criteria: Invitae Variant Classification Sherloc (09022015). Collection method: clinical testing. Allele origin: germline.
Comment: This sequence change replaces serine with alanine at codon 842 of the NFAT5 protein (p.Ser842Ala). The serine residue is moderately conserved and there is a moderate physicochemical difference between serine and alanine. This variant is present in population databases (rs746725926, ExAC 0.001%). This variant has not been reported in the literature in individuals affected with NFAT5-related conditions. Algorithms developed to predict the effect of missense changes on protein structure and function (SIFT, PolyPhen-2, Align-GVGD) all suggest that this variant is likely to be tolerated. In summary, the available evidence is currently insufficient to determine the role of this variant in disease. Therefore, it has been classified as a Variant of Uncertain Significance.